The following is an entry in ClinVar:

NM_144999.4(LRRC45):c.688C>T (p.Arg230Trp)

Gene: LRRC45 (leucine rich repeat containing 45; plus strand). Cytogenetic location: 17q25.3.
Variant type: single nucleotide variant.
Coding change: c.688C>T on transcript NM_144999.4 (MANE Select); coding-DNA position 688, C replaced by T.
Protein change: p.Arg230Trp; replaces arginine 230 with tryptophan.
Molecular consequence: missense variant.
Genome position (GRCh38, 1-based): chr17:82,026,925, C>T. VCF-style: chr17-82026925-C-T. GRCh37 (hg19) VCF-style: chr17-79984801-C-T.
Other names: c.688C>T (NM_144999.3); short protein forms R230W.
Identifiers: ClinVar variation 3120739 (VCV003120739.3), dbSNP rs202017922, ClinGen allele CA8847753.

ClinVar aggregate classification (germline): Uncertain significance. Review status: criteria provided, multiple submitters, no conflicts (2 of 4 stars). 2 submissions from 2 submitters: Uncertain significance (2). Last evaluated 2026-06-10.

Conditions:
LRRC45-related disorder. Also called: LRRC45-related condition.

Allele frequency attached by ClinVar (database versions not stated): 1000 Genomes Project 0.00060; 1000 Genomes Project 30x 0.00078.

Submissions (2):

PreventionGenetics, part of Exact Sciences
Classification: Uncertain significance for LRRC45-related condition. Last evaluated: 2026-06-10. Review status: criteria provided, single submitter. Criteria: ACMG Guidelines, 2015. Collection method: clinical testing. Allele origin: germline.
Comment: The LRRC45 c.688C>T variant is predicted to result in the amino acid substitution p.Arg230Trp. To our knowledge, this variant has not been reported in the literature. This variant is reported in 0.020% of alleles in individuals of Latino descent in gnomAD. At this time, the clinical significance of this variant is uncertain due to the absence of conclusive functional and genetic evidence.

Ambry Genetics
Classification: Uncertain significance. Last evaluated: 2023-12-27. Review status: criteria provided, single submitter. Criteria: Ambry Variant Classification Scheme 2023. Collection method: clinical testing. Allele origin: germline.